The following is an entry in ClinVar:

NC_000012.11:g.(?_58179936)_(58186866_?)dup

Gene: TSFM (Ts translation elongation factor, mitochondrial; plus strand). Cytogenetic location: 12q14.1.
Variant type: Duplication.
Identifiers: ClinVar variation 2423922 (VCV002423922.3).

ClinVar aggregate classification (germline): Likely pathogenic (1 of 4 stars; one submission).

Submission:

Labcorp Genetics (formerly Invitae), Labcorp
Classification: Likely pathogenic. Last evaluated: 2022-03-21. Review status: criteria provided, single submitter. Criteria: Invitae Variant Classification Sherloc (09022015). Collection method: clinical testing. Allele origin: germline.
Comment: This variant results in a copy number gain of the genomic region encompassing exon(s) 3-6 of the TSFM gene. While the exact position of this variant cannot be determined from the data, sub-genic copy number gains are generally in tandem (PMID: 25640679). This variant is predicted to be out-of-frame, and may result in an absent or disrupted protein product. Loss-of-function variants in TSFM are known to be pathogenic (PMID: 17033963, 20435138, 25037205, 27677415). This variant has not been reported in the literature in individuals affected with TSFM-related conditions. In summary, the currently available evidence indicates that the variant is pathogenic, but additional data are needed to prove that conclusively. Therefore, this variant has been classified as Likely Pathogenic.

Literature cited by the submitters: PubMed 25640679; PubMed 17033963; PubMed 20435138; PubMed 25037205; PubMed 27677415.